The following is an entry in ClinVar:

ClinVar aggregate classification (germline): Uncertain significance. Review status: criteria provided, multiple submitters, no conflicts (2 of 4 stars). 2 submissions from 2 submitters: Uncertain significance (2). Last evaluated 2024-06-09.

Conditions:
Wilson disease (WND). Also called: Wilson's disease. Identifiers: Orphanet 905, MedGen C0019202, MONDO:0010200, OMIM 277900. Disease mechanism: loss of function.

gnomAD v4.1: 2 of 1,613,864 alleles (0.00012%); highest among the groups gnomAD compares: Non-Finnish European, 0.00017%; no homozygotes.

Submissions (2):

All of Us Research Program, National Institutes of Health
Classification: Uncertain significance for Wilson disease. Last evaluated: 2024-06-09. Review status: criteria provided, single submitter. Criteria: ACMG Guidelines, 2015. Collection method: clinical testing. Allele origin: germline. Inheritance: Autosomal recessive inheritance. Observed: 1 variant allele, 1 heterozygote.
Comment: This missense variant replaces phenylalanine with leucine at codon 1026 of the ATP7B protein. Computational prediction suggests that this variant may have deleterious impact on protein structure and function (internally defined REVEL score threshold >= 0.7, PMID: 27666373). To our knowledge, functional studies have not been reported for this variant. This variant has not been reported in individuals affected with ATP7B-related disorders in the literature. This variant has not been identified in the general population by the Genome Aggregation Database (gnomAD). The available evidence is insufficient to determine the role of this variant in disease conclusively. Therefore, this variant is classified as a Variant of Uncertain Significance.

This study involves interpretation of variants in research participants for the purpose of population health screening. Participant phenotype was not available at the time of variant classification. Additional details can be found in publication PMID: 35346344, PMCID: PMC8962531

Color Diagnostics, LLC DBA Color Health
Classification: Uncertain significance for Wilson disease. Last evaluated: 2022-05-06. Review status: criteria provided, single submitter. Criteria: ACMG Guidelines, 2015. Collection method: clinical testing. Allele origin: germline.
Comment: This missense variant replaces phenylalanine with leucine at codon 1026 of the ATP7B protein. Computational prediction suggests that this variant may have deleterious impact on protein structure and function. To our knowledge, functional studies have not been reported for this variant. This variant has not been reported in individuals affected with ATP7B-related disorders in the literature. This variant has not been identified in the general population by the Genome Aggregation Database (gnomAD). The available evidence is insufficient to determine the role of this variant in disease conclusively. Therefore, this variant is classified as a Variant of Uncertain Significance.

NM_000053.4(ATP7B):c.3076T>C (p.Phe1026Leu)

Gene: ATP7B (ATPase copper transporting beta; minus strand). Cytogenetic location: 13q14.3.
Variant type: single nucleotide variant.
Coding change: c.3076T>C on transcript NM_000053.4 (MANE Select); coding-DNA position 3076, T replaced by C.
Protein change: p.Phe1026Leu; replaces phenylalanine 1026 with leucine.
Molecular consequence: missense variant. On other transcripts: intron variant (1).
Genome position (GRCh38, 1-based): chr13:51,944,276, A>G on the plus strand (T>C on the coding strand, the complement: ATP7B is on the minus strand). VCF-style: chr13-51944276-A-G. GRCh37 (hg19) VCF-style: chr13-52518412-A-G.
Other names: c.2836T>C, p.Phe946Leu (NM_001406530.1); c.2824T>C, p.Phe942Leu (NM_001406531.1, NM_001406532.1, NM_001330579.2); c.2788T>C, p.Phe930Leu (NM_001406534.1); c.2746T>C, p.Phe916Leu (NM_001406535.1, NM_001406536.1); c.2455T>C, p.Phe819Leu (NM_001005918.3); c.2743T>C, p.Phe915Leu (NM_001243182.2); c.2980T>C, p.Phe994Leu (NM_001406518.1, NM_001406517.1); c.2941T>C, p.Phe981Leu (NM_001406519.1); and 19 more; short protein forms F1008L, F1015L, F1024L, F1026L, F596L, F745L, F799L, F810L.
Identifiers: ClinVar variation 3387540 (VCV003387540.2).